The following is an entry in ClinVar:

NM_198904.4(GABRG2):c.15T>C (p.Asn5=)

Gene: GABRG2 (gamma-aminobutyric acid type A receptor subunit gamma2; plus strand). Cytogenetic location: 5q34.
Variant type: single nucleotide variant.
Coding change: c.15T>C on transcript NM_198904.4 (MANE Select); coding-DNA position 15, T replaced by C.
Protein change: p.Asn5=; no amino-acid change (asparagine 5 retained).
Molecular consequence: synonymous variant. On other transcripts: 5 prime UTR variant (3), intron variant (3).
Genome position (GRCh38, 1-based): chr5:162,068,014, T>C. VCF-style: chr5-162068014-T-C. GRCh37 (hg19) VCF-style: chr5-161495020-T-C.
Other names: c.15T>C, p.Asn5= (NM_001375339.1, NM_001375340.1, NM_001375341.1 and 5 more transcripts); c.-344T>C (NM_001375348.1, NM_001375350.1); c.-392T>C (NM_001375349.1); c.-3-49T>C (NM_001375346.1, NM_001375345.1); c.20+373T>C (NM_001375347.1).
Identifiers: ClinVar variation 387546 (VCV000387546.1), dbSNP rs1057522820, ClinGen allele CA16604739.

ClinVar aggregate classification (germline): Likely benign (1 of 4 stars; one submission).

Submission:

GeneDx
Classification: Likely benign. Last evaluated: 2016-07-18. Review status: criteria provided, single submitter. Criteria: GeneDx Variant Classification (06012015). Collection method: clinical testing. Allele origin: germline. Affected: yes.
Comment: This variant is considered likely benign or benign based on one or more of the following criteria: it is a conservative change, it occurs at a poorly conserved position in the protein, it is predicted to be benign by multiple in silico algorithms, and/or has population frequency not consistent with disease.